The following is an entry in ClinVar:

ClinVar aggregate classification (germline): Likely pathogenic (1 of 4 stars; one submission).

Conditions:
Catel-Manzke syndrome. Also called: HYPERPHALANGY-CLINODACTYLY OF INDEX FINGER WITH PIERRE ROBIN SYNDROME; INDEX FINGER ANOMALY WITH PIERRE ROBIN SYNDROME; PIERRE ROBIN SYNDROME WITH HYPERPHALANGY AND CLINODACTYLY; MICROGNATHIA DIGITAL SYNDROME. Identifiers: Orphanet 1388, MedGen C1844887, MONDO:0014507, OMIM 616145.

Allele frequency attached by ClinVar (database versions not stated): gnomAD exomes below 0.00001.
gnomAD v4.1: 1 of 1,548,632 alleles (0.000065%); highest among the groups gnomAD compares: Non-Finnish European, 0.000088%; no homozygotes.

Submission:

CHU Sainte-Justine Research Center, University of Montreal
Classification: Likely pathogenic for Catel-Manzke syndrome. Last evaluated: 2021-02-17. Review status: criteria provided, single submitter. Criteria: ACMG Guidelines, 2015. Collection method: clinical testing. Allele origin: paternal. Affected: yes.
Comment: Compound heterozygous with NM_014305.3:c.305C>T

NM_014305.4(TGDS):c.457-2A>G

Gene: TGDS (TDP-glucose 4,6-dehydratase; minus strand). Cytogenetic location: 13q32.1.
Variant type: single nucleotide variant.
Coding change: c.457-2A>G on transcript NM_014305.4 (MANE Select); the canonical splice acceptor site of the intron before coding-DNA position 457, A replaced by G.
Molecular consequence: splice acceptor variant.
Genome position (GRCh38, 1-based): chr13:94,581,191, T>C on the plus strand (A>G on the coding strand, the complement: TGDS is on the minus strand). VCF-style: chr13-94581191-T-C. GRCh37 (hg19) VCF-style: chr13-95233445-T-C.
Other names: c.361-2A>G (NM_001304430.2).
Identifiers: ClinVar variation 2412788 (VCV002412788.1), dbSNP rs1888779255, ClinGen allele CA388395304.
Genomic context (GRCh38, chr13:94,581,191, plus strand): 5'-GCTGCTTTAGATGATGCATAAGGATTTGTAGGTTGTTTGGGTGAAGATTCATCAAATTCC[T>C]ATTTTTAAAAATATATATTTAAAAAAGTGTTATGCATATTTTAAGTATAGAAATCAGAGC-3'